The following is an entry in ClinVar:

ClinVar aggregate classification (germline): Uncertain significance (1 of 4 stars; one submission).

Conditions:
TNXB-related disorder. Also called: TNXB-related condition.

Submission:

PreventionGenetics, part of Exact Sciences
Classification: Uncertain significance for TNXB-related condition. Last evaluated: 2025-01-30. Review status: criteria provided, single submitter. Criteria: ACMG Guidelines, 2015. Collection method: clinical testing. Allele origin: germline.
Comment: The TNXB c.7894G>C variant is predicted to result in the amino acid substitution p.Gly2632Arg. To our knowledge, this variant has not been reported in the literature. This variant is reported in 0.017% of alleles in individuals of African descent in gnomAD. At this time, the clinical significance of this variant is uncertain due to the absence of conclusive functional and genetic evidence.

NM_001365276.2(TNXB):c.7894G>C (p.Gly2632Arg)

Gene: TNXB (tenascin XB; minus strand). Cytogenetic location: 6p21.33.
Variant type: single nucleotide variant.
Coding change: c.7894G>C on transcript NM_001365276.2 (MANE Select); coding-DNA position 7894, G replaced by C.
Protein change: p.Gly2632Arg; replaces glycine 2632 with arginine.
Molecular consequence: missense variant.
Genome position (GRCh38, 1-based): chr6:32,056,835, C>G on the plus strand (G>C on the coding strand, the complement: TNXB is on the minus strand). VCF-style: chr6-32056835-C-G. GRCh37 (hg19) VCF-style: chr6-32024612-C-G.
Other names: c.8635G>C, p.Gly2879Arg (NM_001428335.1); c.7894G>C, p.Gly2632Arg (NM_019105.8); short protein forms G2632R, G2879R.
Identifiers: ClinVar variation 4985785 (VCV004985785.1).